The following is an entry in ClinVar:

NM_015001.3(SPEN):c.2984C>G (p.Ala995Gly)

Gene: SPEN (spen family transcriptional repressor; plus strand). Cytogenetic location: 1p36.13.
Variant type: single nucleotide variant.
Coding change: c.2984C>G on transcript NM_015001.3 (MANE Select); coding-DNA position 2984, C replaced by G.
Protein change: p.Ala995Gly; replaces alanine 995 with glycine.
Molecular consequence: missense variant.
Genome position (GRCh38, 1-based): chr1:15,929,224, C>G. VCF-style: chr1-15929224-C-G. GRCh37 (hg19) VCF-style: chr1-16255719-C-G.
Other names: short protein forms A995G.
Identifiers: ClinVar variation 2692524 (VCV002692524.1), dbSNP rs1319882904, ClinGen allele CA338603602.
Genomic context (GRCh38, chr1:15,929,224, plus strand): 5'-CTGTGGATCTGGAGAAGCTGGAAGCCAGGAAAAGGCGCTTTGCAGATTCCAATTTAAAAG[C>G]AGAAAAGCAAAAACCAGAGGTCAAGAAAAGCAGTCCAGAGATGGAGGATGCTCGCGTGCT-3'
Protein context (NP_055816.2, residues 985-1005): KRRFADSNLK[Ala995Gly]EKQKPEVKKS

ClinVar aggregate classification (germline): Uncertain significance (1 of 4 stars; one submission).

Allele frequency attached by ClinVar (database versions not stated): gnomAD 0.00001; TOPMed 0.00002.
gnomAD v4.1: 1 of 1,613,966 alleles (0.000062%); highest among the groups gnomAD compares: African/African-American, 0.0013%; no homozygotes.

Submission:

Greenwood Genetic Center Diagnostic Laboratories, Greenwood Genetic Center
Classification: Uncertain significance. Last evaluated: 2023-12-22. Review status: criteria provided, single submitter. Criteria: ACMG Guidelines, 2015. Collection method: clinical testing. Allele origin: germline. Affected: yes.
Comment: PM2